The following is an entry in ClinVar:

ClinVar aggregate classification (germline): Uncertain significance (1 of 4 stars; one submission).

Conditions:
Intellectual developmental disorder, autosomal dominant 1. Also called: MBD5 Haploinsufficiency; Intellectual disability, autosomal dominant 1. Identifiers: Orphanet 228402, MedGen C1969562, MONDO:0007974, OMIM 156200.

Submission:

Labcorp Genetics (formerly Invitae), Labcorp
Classification: Uncertain significance for Intellectual developmental disorder, autosomal dominant 1. Last evaluated: 2025-12-13. Review status: criteria provided, single submitter. Criteria: Invitae Variant Classification Sherloc (09022015). Collection method: clinical testing. Allele origin: germline.
Comment: This sequence change replaces proline, which is neutral and non-polar, with serine, which is neutral and polar, at codon 1367 of the MBD5 protein (p.Pro1367Ser). This variant is not present in population databases (gnomAD no frequency). This variant has not been reported in the literature in individuals affected with MBD5-related conditions. Experimental studies and prediction algorithms are not available or were not evaluated, and the functional significance of this variant is currently unknown. In summary, the available evidence is currently insufficient to determine the role of this variant in disease. Therefore, it has been classified as a Variant of Uncertain Significance.

NM_001378120.1(MBD5):c.4798C>T (p.Pro1600Ser)

Gene: MBD5 (methyl-CpG binding domain protein 5; plus strand). Cytogenetic location: 2q23.1.
Variant type: single nucleotide variant.
Coding change: c.4798C>T on transcript NM_001378120.1 (MANE Select); coding-DNA position 4798, C replaced by T.
Protein change: p.Pro1600Ser; replaces proline 1600 with serine.
Molecular consequence: missense variant.
Genome position (GRCh38, 1-based): chr2:148,490,430, C>T. VCF-style: chr2-148490430-C-T. GRCh37 (hg19) VCF-style: chr2-149247999-C-T.
Other names: c.4099C>T, p.Pro1367Ser (NM_001438855.1, NM_001438859.1, NM_001438860.1 and 3 more transcripts); c.4798C>T, p.Pro1600Ser (NM_001438856.1, NM_001438857.1, NM_001438858.1 and 1 more transcripts); short protein forms P1367S, P1600S.
Identifiers: ClinVar variation 4736764 (VCV004736764.1).